The following is an entry in ClinVar:

NM_000298.6(PKLR):c.994_1003dup (p.Val335fs)

Gene: PKLR (pyruvate kinase L/R; minus strand). Cytogenetic location: 1q22.
Variant type: Duplication.
Coding change: c.994_1003dup on transcript NM_000298.6 (MANE Select); coding-DNA positions 994 to 1003, 10 bases duplicated (GGCATCATGG; older notation c.994_1003dupGGCATCATGG).
Protein change: p.Val335fs; shifts the reading frame from valine 335.
Molecular consequence: frameshift variant.
Genome position (GRCh38, 1-based): chr1:155,294,348-155,294,357, CCATGATGCC duplicated on the plus strand (GGCATCATGG on the coding strand, the reverse complement: PKLR is on the minus strand). VCF-style (leftmost placement, unchanged base first): chr1-155294347-A-ACCATGATGCC. GRCh37 (hg19) VCF-style: chr1-155264138-A-ACCATGATGCC.
Other names: c.901_910dup, p.Val304fs (NM_181871.4); c.994_1003dup (NM_000298.5); short protein forms V304fs, V335fs.
Identifiers: ClinVar variation 2432653 (VCV002432653.4), dbSNP rs1356806251, ClinGen allele CA526668558.
Genomic context (GRCh38, chr1:155,294,347, plus strand): 5'-ATCTTCTGAGCCAGGAAAACCTTCTCTGCTGGGATCTCGATGCCTAGGTCCCCCCGTGCC[A>ACCATGATGCC]CCATGATGCCGTCGCTCACCTCCAGGATTTCATCAAACCTGAGAGGTTGGGAGAATCAAG-3'

ClinVar aggregate classification (germline): Pathogenic/Likely pathogenic. Review status: criteria provided, multiple submitters, no conflicts (2 of 4 stars). 2 submissions from 2 submitters: Pathogenic (1); Likely pathogenic (1). Last evaluated 2025-07-30.

Allele frequency attached by ClinVar (database versions not stated): gnomAD exomes below 0.00001; gnomAD 0.00003; TOPMed 0.00004.

Submissions (2):

GeneDx
Classification: Pathogenic. Last evaluated: 2025-07-30. Review status: criteria provided, single submitter. Criteria: GeneDx Variant Classification Process June 2021. Collection method: clinical testing. Allele origin: germline. Affected: yes.
Comment: Frameshift variant predicted to result in protein truncation or nonsense mediated decay in a gene for which loss of function is a known mechanism of disease; Has not been previously published as pathogenic or benign to our knowledge

Revvity Omics, Revvity
Classification: Likely pathogenic. Last evaluated: 2022-03-28. Review status: criteria provided, single submitter. Criteria: ACMG Guidelines, 2015. Collection method: clinical testing. Allele origin: germline.